The following is an entry in ClinVar:

ClinVar aggregate classification (germline): Uncertain significance (1 of 4 stars; one submission).

Conditions:
Hereditary cancer-predisposing syndrome. Also called: Neoplastic Syndromes, Hereditary; Tumor predisposition; Hereditary neoplastic syndrome; Hereditary Cancer Syndrome. Identifiers: Orphanet 140162, MedGen C0027672, MeSH D009386, MONDO:0015356.

Submission:

Ambry Genetics
Classification: Uncertain significance for Hereditary cancer-predisposing syndrome. Last evaluated: 2017-12-27. Review status: criteria provided, single submitter. Criteria: Ambry Variant Classification Scheme 2023. Collection method: clinical testing. Allele origin: germline.
Comment: The p.G124A variant (also known as c.371G>C), located in coding exon 2 of the MSH6 gene, results from a G to C substitution at nucleotide position 371. The glycine at codon 124 is replaced by alanine, an amino acid with similar properties. This amino acid position is highly conserved in available vertebrate species. In addition, the in silico prediction for this alteration is inconclusive. In addition, the CoDP in silico tool predicts this alteration will have minor impact on molecular function, with a score of 0.003 (Terui H et al. J. Biomed. Sci. 2013 Apr;20:25). Since supporting evidence is limited at this time, the clinical significance of this alteration remains unclear.

NM_000179.3(MSH6):c.371G>C (p.Gly124Ala)

Gene: MSH6 (mutS homolog 6; plus strand). Cytogenetic location: 2p16.3.
Variant type: single nucleotide variant.
Coding change: c.371G>C on transcript NM_000179.3 (MANE Select); coding-DNA position 371, G replaced by C.
Protein change: p.Gly124Ala; replaces glycine 124 with alanine.
Molecular consequence: missense variant. On other transcripts: 5 prime UTR variant (2), intron variant (1).
Genome position (GRCh38, 1-based): chr2:47,791,037, G>C. VCF-style: chr2-47791037-G-C. GRCh37 (hg19) VCF-style: chr2-48018176-G-C.
Other names: c.-366G>C (NM_001281493.2); c.-532G>C (NM_001281494.2); c.237+7567G>C (NM_001281492.2); short protein forms G124A.
Identifiers: ClinVar variation 824123 (VCV000824123.4), dbSNP rs1553410286, ClinGen allele CA346737029.
Genomic context (GRCh38, chr2:47,791,037, plus strand): 5'-CCTGGTGGCCTTGTCTGGTTTACAACCACCCCTTTGATGGAACATTCATCCGCGAGAAAG[G>C]GAAATCAGTCCGTGTTCATGTACAGTTTTTTGATGACAGCCCAACAAGGGGCTGGGTTAG-3'
Protein context (NP_000170.1, residues 114-134): PFDGTFIREK[Gly124Ala]KSVRVHVQFF